The following is an entry in ClinVar:

ClinVar aggregate classification (germline): Uncertain significance (1 of 4 stars; one submission).

Allele frequency attached by ClinVar (database versions not stated): gnomAD exomes 0.00004; 1000 Genomes Project 0.00020; ExAC 0.00006; 1000 Genomes Project 30x 0.00016.
gnomAD v4.1: 69 of 1,614,110 alleles (0.0043%); highest among the groups gnomAD compares: Middle Eastern, 0.033%; no homozygotes.

Submission:

Labcorp Genetics (formerly Invitae), Labcorp
Classification: Uncertain significance. Last evaluated: 2024-04-09. Review status: criteria provided, single submitter. Criteria: Invitae Variant Classification Sherloc (09022015). Collection method: clinical testing. Allele origin: germline.
Comment: This sequence change replaces valine, which is neutral and non-polar, with isoleucine, which is neutral and non-polar, at codon 799 of the KCNQ5 protein (p.Val799Ile). This variant is present in population databases (rs370589256, gnomAD 0.01%). This variant has not been reported in the literature in individuals affected with KCNQ5-related conditions. ClinVar contains an entry for this variant (Variation ID: 2074365). Advanced modeling of protein sequence and biophysical properties (such as structural, functional, and spatial information, amino acid conservation, physicochemical variation, residue mobility, and thermodynamic stability) performed at Invitae indicates that this missense variant is not expected to disrupt KCNQ5 protein function with a negative predictive value of 95%. In summary, the available evidence is currently insufficient to determine the role of this variant in disease. Therefore, it has been classified as a Variant of Uncertain Significance.

NM_019842.4(KCNQ5):c.2338G>A (p.Val780Ile)

Gene: KCNQ5 (potassium voltage-gated channel subfamily Q member 5; plus strand). Cytogenetic location: 6q13.
Variant type: single nucleotide variant.
Coding change: c.2338G>A on transcript NM_019842.4 (MANE Select); coding-DNA position 2338, G replaced by A.
Protein change: p.Val780Ile; replaces valine 780 with isoleucine.
Molecular consequence: missense variant.
Genome position (GRCh38, 1-based): chr6:73,194,953, G>A. VCF-style: chr6-73194953-G-A. GRCh37 (hg19) VCF-style: chr6-73904676-G-A.
Other names: c.2311G>A, p.Val771Ile (NM_001160130.2); c.2368G>A, p.Val790Ile (NM_001160132.2); c.2395G>A, p.Val799Ile (NM_001160133.2); c.2008G>A, p.Val670Ile (NM_001160134.2); short protein forms V799I, V771I, V790I, V670I, V780I.
Identifiers: ClinVar variation 2074365 (VCV002074365.4), dbSNP rs370589256, ClinGen allele CA3887243.